The following is an entry in ClinVar:

NM_001197104.2(KMT2A):c.7377G>C (p.Glu2459Asp)

Gene: KMT2A (lysine methyltransferase 2A; plus strand). Cytogenetic location: 11q23.3.
Variant type: single nucleotide variant.
Coding change: c.7377G>C on transcript NM_001197104.2 (MANE Select); coding-DNA position 7377, G replaced by C.
Protein change: p.Glu2459Asp; replaces glutamic acid 2459 with aspartic acid.
Molecular consequence: missense variant.
Genome position (GRCh38, 1-based): chr11:118,503,269, G>C. VCF-style: chr11-118503269-G-C. GRCh37 (hg19) VCF-style: chr11-118373984-G-C.
Other names: c.7467G>C, p.Glu2489Asp (NM_001412597.1); c.7368G>C, p.Glu2456Asp (NM_005933.4); short protein forms E2489D, E2459D, E2456D.
Identifiers: ClinVar variation 2131278 (VCV002131278.4), dbSNP rs2134391577, ClinGen allele CA382805312.

ClinVar aggregate classification (germline): Uncertain significance (1 of 4 stars; one submission).

Submission:

Labcorp Genetics (formerly Invitae), Labcorp
Classification: Uncertain significance. Last evaluated: 2022-08-22. Review status: criteria provided, single submitter. Criteria: Invitae Variant Classification Sherloc (09022015). Collection method: clinical testing. Allele origin: germline.
Comment: This sequence change replaces glutamic acid, which is acidic and polar, with aspartic acid, which is acidic and polar, at codon 2459 of the KMT2A protein (p.Glu2459Asp). This variant is not present in population databases (gnomAD no frequency). This variant has not been reported in the literature in individuals affected with KMT2A-related conditions. Advanced modeling of protein sequence and biophysical properties (such as structural, functional, and spatial information, amino acid conservation, physicochemical variation, residue mobility, and thermodynamic stability) performed at Invitae indicates that this missense variant is not expected to disrupt KMT2A protein function. In summary, the available evidence is currently insufficient to determine the role of this variant in disease. Therefore, it has been classified as a Variant of Uncertain Significance.